The following is an entry in ClinVar:

ClinVar aggregate classification (germline): Uncertain significance. Review status: criteria provided, multiple submitters, no conflicts (2 of 4 stars). 3 submissions from 3 submitters: Uncertain significance (3). Last evaluated 2025-01-09.

Conditions:
Familial spontaneous pneumothorax (PSP). Identifiers: Orphanet 2903, MedGen C1868193, MONDO:0008259, OMIM 173600.
Birt-Hogg-Dube syndrome. Also called: Birt Hogg Dubé syndrome. Identifiers: Orphanet 122, MedGen C0346010, MONDO:0800444.
Colorectal cancer. Also called: Colorectal cancer, somatic; Malignant Colorectal Neoplasm. Identifiers: MedGen C0346629, MONDO:0005575, OMIM 114500.
17p11.2 microduplication syndrome (PTLS). Also called: CHROMOSOME 17p11.2 DUPLICATION SYNDROME; Potocki-Lupski syndrome; Duplication 17p11.2 syndrome; Potocki-Lupski syndrome (dup(17)(p11.2p11.2)). Identifiers: Orphanet 1713, MedGen C2931246, MONDO:0012574, OMIM 610883.
Nonpapillary renal cell carcinoma. Identifiers: Orphanet 422526, MedGen CN074294, MONDO:0007763, OMIM 144700.
Hereditary cancer-predisposing syndrome. Also called: Tumor predisposition; Hereditary Cancer Syndrome; Neoplastic Syndromes, Hereditary; Hereditary neoplastic syndrome. Identifiers: Orphanet 140162, MedGen C0027672, MeSH D009386, MONDO:0015356.

gnomAD v4.1: 2 of 1,614,218 alleles (0.00012%); highest among the groups gnomAD compares: East Asian, 0.0045%; no homozygotes.

Submissions (3):

Ambry Genetics
Classification: Uncertain significance for Hereditary cancer-predisposing syndrome. Last evaluated: 2025-01-09. Review status: criteria provided, single submitter. Criteria: Ambry Variant Classification Scheme 2023. Collection method: clinical testing. Allele origin: germline.
Comment: The p.S496F variant (also known as c.1487C>T), located in coding exon 10 of the FLCN gene, results from a C to T substitution at nucleotide position 1487. The serine at codon 496 is replaced by phenylalanine, an amino acid with highly dissimilar properties. This amino acid position is highly conserved in available vertebrate species. In addition, this alteration is predicted to be deleterious by in silico analysis. Based on the available evidence, the clinical significance of this variant remains unclear.

Labcorp Genetics (formerly Invitae), Labcorp
Classification: Uncertain significance for Birt-Hogg-Dube syndrome. Last evaluated: 2024-07-08. Review status: criteria provided, single submitter. Criteria: Invitae Variant Classification Sherloc (09022015). Collection method: clinical testing. Allele origin: germline.
Comment: This sequence change replaces serine, which is neutral and polar, with phenylalanine, which is neutral and non-polar, at codon 496 of the FLCN protein (p.Ser496Phe). This variant is present in population databases (no rsID available, gnomAD 0.006%). This variant has not been reported in the literature in individuals affected with FLCN-related conditions. ClinVar contains an entry for this variant (Variation ID: 1011594). Advanced modeling of protein sequence and biophysical properties (such as structural, functional, and spatial information, amino acid conservation, physicochemical variation, residue mobility, and thermodynamic stability) has been performed at Invitae for this missense variant, however the output from this modeling did not meet the statistical confidence thresholds required to predict the impact of this variant on FLCN protein function. In summary, the available evidence is currently insufficient to determine the role of this variant in disease. Therefore, it has been classified as a Variant of Uncertain Significance.

Fulgent Genetics
Classification: Uncertain significance for Colorectal cancer; Birt-Hogg-Dube syndrome 1; Nonpapillary renal cell carcinoma; Familial spontaneous pneumothorax; 17p11.2 microduplication syndrome. Last evaluated: 2022-04-13. Review status: criteria provided, single submitter. Criteria: ACMG Guidelines, 2015. Collection method: clinical testing. Allele origin: unknown.

NM_144997.7(FLCN):c.1487C>T (p.Ser496Phe)

Gene: FLCN (folliculin; minus strand). Cytogenetic location: 17p11.2.
Variant type: single nucleotide variant.
Coding change: c.1487C>T on transcript NM_144997.7 (MANE Select); coding-DNA position 1487, C replaced by T.
Protein change: p.Ser496Phe; replaces serine 496 with phenylalanine.
Molecular consequence: missense variant.
Genome position (GRCh38, 1-based): chr17:17,215,036, G>A on the plus strand (C>T on the coding strand, the complement: FLCN is on the minus strand). VCF-style: chr17-17215036-G-A. GRCh37 (hg19) VCF-style: chr17-17118350-G-A.
Other names: c.1541C>T, p.Ser514Phe (NM_001353229.2); c.1487C>T, p.Ser496Phe (NM_001353230.2, NM_001353231.2); short protein forms S496F, S514F.
Identifiers: ClinVar variation 1011594 (VCV001011594.9), dbSNP rs750535468, ClinGen allele CA398530869.